The following is an entry in ClinVar:

NM_001363711.2(DUOX2):c.2546T>C (p.Val849Ala)

Gene: DUOX2 (dual oxidase 2; minus strand). Cytogenetic location: 15q21.1.
Variant type: single nucleotide variant.
Coding change: c.2546T>C on transcript NM_001363711.2 (MANE Select); coding-DNA position 2546, T replaced by C.
Protein change: p.Val849Ala; replaces valine 849 with alanine.
Molecular consequence: missense variant.
Genome position (GRCh38, 1-based): chr15:45,104,154, A>G on the plus strand (T>C on the coding strand, the complement: DUOX2 is on the minus strand). VCF-style: chr15-45104154-A-G. GRCh37 (hg19) VCF-style: chr15-45396352-A-G.
Other names: c.2546T>C, p.Val849Ala (NM_014080.5); short protein forms V849A.
Identifiers: ClinVar variation 2504675 (VCV002504675.1), dbSNP rs1894152955, ClinGen allele CA392269421.

ClinVar aggregate classification (germline): Uncertain significance (1 of 4 stars; one submission).

Allele frequency attached by ClinVar (database versions not stated): gnomAD exomes below 0.00001.
gnomAD v4.1: 1 of 1,614,164 alleles (0.000062%); highest among the groups gnomAD compares: Non-Finnish European, 0.000085%; no homozygotes.

Submission:

GeneDx
Classification: Uncertain significance. Last evaluated: 2022-12-09. Review status: criteria provided, single submitter. Criteria: GeneDx Variant Classification Process June 2021. Collection method: clinical testing. Allele origin: germline. Affected: yes.
Comment: Not observed at significant frequency in large population cohorts (gnomAD); In silico analysis supports that this missense variant has a deleterious effect on protein structure/function; Has not been previously published as pathogenic or benign to our knowledge